The following is an entry in ClinVar:

ClinVar aggregate classification (germline): Uncertain significance (1 of 4 stars; one submission).

Submission:

Labcorp Genetics (formerly Invitae), Labcorp
Classification: Uncertain significance. Last evaluated: 2026-01-15. Review status: criteria provided, single submitter. Criteria: Invitae Variant Classification Sherloc (09022015). Collection method: clinical testing. Allele origin: germline.
Comment: This sequence change replaces glycine, which is neutral and non-polar, with arginine, which is basic and polar, at codon 17 of the KRT10 protein (p.Gly17Arg). This variant is present in population databases (rs754010566, gnomAD 0.0009%). This variant has not been reported in the literature in individuals affected with KRT10-related conditions. ClinVar contains an entry for this variant (Variation ID: 3616728). Invitae Evidence Modeling of protein sequence and biophysical properties (such as structural, functional, and spatial information, amino acid conservation, physicochemical variation, residue mobility, and thermodynamic stability) indicates that this missense variant is not expected to disrupt KRT10 protein function with a negative predictive value of 80%. In summary, the available evidence is currently insufficient to determine the role of this variant in disease. Therefore, it has been classified as a Variant of Uncertain Significance.

NM_000421.5(KRT10):c.49G>A (p.Gly17Arg)

Genes: KRT10-AS1 (KRT10 antisense RNA 1; plus strand), KRT10 (keratin 10; minus strand). Cytogenetic location: 17q21.2.
Variant type: single nucleotide variant.
Coding change: c.49G>A on transcript NM_000421.5 (MANE Select); coding-DNA position 49, G replaced by A.
Protein change: p.Gly17Arg; replaces glycine 17 with arginine.
Molecular consequence: missense variant.
Genome position (GRCh38, 1-based): chr17:40,822,537, C>T on the plus strand (G>A on the coding strand, the complement: KRT10 is on the minus strand). VCF-style: chr17-40822537-C-T. GRCh37 (hg19) VCF-style: chr17-38978789-C-T.
Other names: c.49G>A, p.Gly17Arg (NM_001379366.1); short protein forms G17R.
Identifiers: ClinVar variation 3616728 (VCV003616728.2).